The following is an entry in ClinVar:

NM_001458.5(FLNC):c.5285G>C (p.Arg1762Pro)

Gene: FLNC (filamin C; plus strand). Cytogenetic location: 7q32.1.
Variant type: single nucleotide variant.
Coding change: c.5285G>C on transcript NM_001458.5 (MANE Select); coding-DNA position 5285, G replaced by C.
Protein change: p.Arg1762Pro; replaces arginine 1762 with proline.
Molecular consequence: missense variant. On other transcripts: intron variant (1).
Genome position (GRCh38, 1-based): chr7:128,850,061, G>C. VCF-style: chr7-128850061-G-C. GRCh37 (hg19) VCF-style: chr7-128490115-G-C.
Other names: c.5200-323G>C (NM_001127487.2); short protein forms R1762P.
Identifiers: ClinVar variation 1928293 (VCV001928293.5), dbSNP rs779856224, ClinGen allele CA166186228.
Genomic context (GRCh38, chr7:128,850,061, plus strand): 5'-AGGAGCCCTCTGAAGTGCCACAGCTGCGCCAGCCCTACGCTCCTCCCCGGCCCGGCGCCC[G>C]CCCCACACACTGGGTACTGCGCCTCCCACCAGGCGATGTCCTCCTCCTCCTCCCCTTCCT-3'
Protein context (NP_001449.3, residues 1752-1772): QPYAPPRPGA[Arg1762Pro]PTHWATEEPV

ClinVar aggregate classification (germline): Uncertain significance (1 of 4 stars; one submission).

Conditions:
Distal myopathy with posterior leg and anterior hand involvement. Also called: WILLIAMS DISTAL MYOPATHY. Identifiers: Orphanet 63273, MedGen C3279722, MONDO:0013550, OMIM 614065.
Hypertrophic cardiomyopathy 26. Also called: Cardiomyopathy, familial hypertrophic, 26. Identifiers: Orphanet 75249, MedGen C4310749, MONDO:0014883, OMIM 617047.
Myofibrillar myopathy 5. Also called: Filaminopathy (type); FILAMINOPATHY, AUTOSOMAL DOMINANT. Identifiers: Orphanet 171445, MedGen C1836050, MONDO:0012289, OMIM 609524.

gnomAD v4.1: 1 of 1,540,086 alleles (0.000065%); highest among the groups gnomAD compares: African/African-American, 0.0014%; no homozygotes.

Submission:

Labcorp Genetics (formerly Invitae), Labcorp
Classification: Uncertain significance for Distal myopathy with posterior leg and anterior hand involvement; Myofibrillar myopathy 5; Hypertrophic cardiomyopathy 26. Last evaluated: 2022-03-08. Review status: criteria provided, single submitter. Criteria: Invitae Variant Classification Sherloc (09022015). Collection method: clinical testing. Allele origin: germline.
Comment: Algorithms developed to predict the effect of sequence changes on RNA splicing suggest that this variant may disrupt the consensus splice site. In summary, the available evidence is currently insufficient to determine the role of this variant in disease. Therefore, it has been classified as a Variant of Uncertain Significance. This sequence change replaces arginine, which is basic and polar, with proline, which is neutral and non-polar, at codon 1762 of the FLNC protein (p.Arg1762Pro). This variant is not present in population databases (gnomAD no frequency). This variant has not been reported in the literature in individuals affected with FLNC-related conditions. Algorithms developed to predict the effect of missense changes on protein structure and function (SIFT, PolyPhen-2, Align-GVGD) all suggest that this variant is likely to be tolerated.